The following is an entry in ClinVar:

ClinVar aggregate classification (germline): Uncertain significance (1 of 4 stars; one submission).

Conditions:
Brugada syndrome 5 (BRGDA5). Identifiers: Orphanet 130, Orphanet 871, MedGen C2748541, MONDO:0013015, OMIM 612838.

Submission:

Labcorp Genetics (formerly Invitae), Labcorp
Classification: Uncertain significance for Brugada syndrome 5. Last evaluated: 2025-01-29. Review status: criteria provided, single submitter. Criteria: Invitae Variant Classification Sherloc (09022015). Collection method: clinical testing. Allele origin: germline.
Comment: This sequence change replaces serine, which is neutral and polar, with asparagine, which is neutral and polar, at codon 212 of the SCN1B protein (p.Ser212Asn). This variant is not present in population databases (gnomAD no frequency). This variant has not been reported in the literature in individuals affected with SCN1B-related conditions. ClinVar contains an entry for this variant (Variation ID: 851719). An algorithm developed to predict the effect of missense changes on protein structure and function outputs the following: PolyPhen-2: "Benign". The asparagine amino acid residue is found in multiple mammalian species, which suggests that this missense change does not adversely affect protein function. In summary, the available evidence is currently insufficient to determine the role of this variant in disease. Therefore, it has been classified as a Variant of Uncertain Significance.

NM_001037.5(SCN1B):c.448+187G>A

Gene: SCN1B (sodium voltage-gated channel beta subunit 1; plus strand). Cytogenetic location: 19q13.11.
Variant type: single nucleotide variant.
Coding change: c.448+187G>A on transcript NM_001037.5 (MANE Select); 187 bases into the intron after coding-DNA position 448, G replaced by A.
Molecular consequence: intron variant. On other transcripts: missense variant (1).
Genome position (GRCh38, 1-based): chr19:35,033,926, G>A. VCF-style: chr19-35033926-G-A. GRCh37 (hg19) VCF-style: chr19-35524830-G-A.
Other names: c.635G>A, p.Ser212Asn (NM_199037.5); c.349+187G>A (NM_001321605.2); short protein forms S212N.
Identifiers: ClinVar variation 851719 (VCV000851719.9), dbSNP rs2064231986, ClinGen allele CA405329530.